The following is an entry in ClinVar:

ClinVar aggregate classification (germline): Conflicting classifications of pathogenicity. Review status: criteria provided, conflicting classifications (1 of 4 stars). 3 submissions from 3 submitters: Likely pathogenic (1); Uncertain significance (1). 1 of the submissions does not count toward it. Last evaluated 2022-09-20.

Conditions:
ABCC6-related disorder. Also called: ABCC6-related condition.
Autosomal recessive inherited pseudoxanthoma elasticum (PXE). Identifiers: Orphanet 758, MedGen CN032334, MONDO:0009925, OMIM 264800.

Allele frequency attached by ClinVar (database versions not stated): ExAC 0.00002; gnomAD exomes 0.00002 and 0.00003; gnomAD 0.00003; TOPMed 0.00003.

Submissions (3):

Blueprint Genetics
Classification: Likely pathogenic for ABCC6-related disorders. Last evaluated: 2022-09-20. Review status: criteria provided, single submitter. Criteria: ACMG Guidelines, 2015. Collection method: clinical testing. Allele origin: germline. Affected: yes. Observed: 5 variant alleles.

GeneDx
Classification: Uncertain significance. Last evaluated: 2019-06-13. Review status: criteria provided, single submitter. Criteria: GeneDx Variant Classification Process June 2021. Collection method: clinical testing. Allele origin: germline. Affected: yes.
Comment: Observed in the heterozygous state without a second identified variant in a patient with pseudoxanthoma elasticum in the published literature (Schulz et al., 2006); In silico analysis, which includes protein predictors and evolutionary conservation, supports a deleterious effect; This variant is associated with the following publications: (PMID: 16835894, 31589614)

PXE International
Classification: Uncertain significance for Autosomal recessive inherited pseudoxanthoma elasticum. Last evaluated: 2021-02-16. Review status: no assertion criteria provided. Collection method: research. Allele origin: germline. Inheritance: Autosomal recessive inheritance. Affected: yes. Observed: 1 variant allele. Not counted in ClinVar's aggregate classification.

Literature cited by the submitters: PubMed 32873932 (cited by PXE International).

NM_001171.6(ABCC6):c.113G>C (p.Trp38Ser)

Gene: ABCC6 (ATP binding cassette subfamily C member 6; minus strand). Cytogenetic location: 16p13.11.
Variant type: single nucleotide variant.
Coding change: c.113G>C on transcript NM_001171.6 (MANE Select); coding-DNA position 113, G replaced by C.
Protein change: p.Trp38Ser; replaces tryptophan 38 with serine.
Molecular consequence: missense variant. On other transcripts: 5 prime UTR variant (1), non-coding transcript variant (1).
Genome position (GRCh38, 1-based): chr16:16,221,755, C>G on the plus strand (G>C on the coding strand, the complement: ABCC6 is on the minus strand). VCF-style: chr16-16221755-C-G. GRCh37 (hg19) VCF-style: chr16-16315612-C-G.
Other names: c.113G>C, p.Trp38Ser (NM_001079528.4); c.-261G>C (NM_001351800.1); short protein forms W38S.
Identifiers: ClinVar variation 433201 (VCV000433201.6), dbSNP rs72653752, ClinGen allele CA7926718.
Genomic context (GRCh38, chr16:16,221,755, plus strand): 5'-TGGTGGTGGATGAAGAGGAGGTAGATGGGACCAAGGACCCAGAGGTACATGGGGGGTACC[C>G]AGACCCCTGCTGTTCTCAGGAAGCACAGGCTCAGCAGGCTGGTGGCGGCAGGTTCAGGCT-3'
Protein context (NP_001162.5, residues 28-48): SLCFLRTAGV[Trp38Ser]VPPMYLWVLG